The following is an entry in ClinVar:

NM_030937.6(CCNL2):c.201C>T (p.Ser67=)

Genes: CCNL2 (cyclin L2; minus strand), LOC129929121 (ATAC-STARR-seq lymphoblastoid silent region 69; plus strand). Cytogenetic location: 1p36.33.
Variant type: single nucleotide variant.
Coding change: c.201C>T on transcript NM_030937.6 (MANE Select); coding-DNA position 201, C replaced by T.
Protein change: p.Ser67=; no amino-acid change (serine 67 retained).
Molecular consequence: synonymous variant. On other transcripts: 5 prime UTR variant (6), non-coding transcript variant (3).
Genome position (GRCh38, 1-based): chr1:1,399,106, G>A on the plus strand (C>T on the coding strand, the complement: CCNL2 is on the minus strand). VCF-style: chr1-1399106-G-A. GRCh37 (hg19) VCF-style: chr1-1334486-G-A.
Other names: c.201C>T, p.Ser67= (NM_001039577.5); c.-1190C>T (NM_001320153.3); c.-480C>T (NM_001320155.3); c.-614C>T (NM_001350497.2); c.-591C>T (NM_001350498.2); c.-597C>T (NM_001350499.2); c.-486C>T (NM_001350500.2).
Identifiers: ClinVar variation 3033974 (VCV003033974.2), dbSNP rs764251755, ClinGen allele CA522371.

ClinVar aggregate classification (germline): Likely benign (0 of 4 stars; one submission).

Conditions:
CCNL2-related disorder. Also called: CCNL2-related condition.

Allele frequency attached by ClinVar (database versions not stated): gnomAD exomes 0.00002; gnomAD 0.00003; TOPMed 0.00004; ExAC 0.00006.

Submission:

PreventionGenetics, part of Exact Sciences
Classification: Likely benign for CCNL2-related condition. Last evaluated: 2019-06-10. Review status: no assertion criteria provided. Collection method: clinical testing. Allele origin: germline.
Comment: This variant is classified as likely benign based on ACMG/AMP sequence variant interpretation guidelines (Richards et al. 2015 PMID: 25741868, with internal and published modifications).